The following is an entry in ClinVar:

ClinVar aggregate classification (germline): Uncertain significance (1 of 4 stars; one submission).

Conditions:
Primary ciliary dyskinesia. Also called: Ciliary dyskinesia. Identifiers: Orphanet 244, MedGen C0008780, MONDO:0016575, HP:0012265.

gnomAD v4.1: 13 of 1,614,180 alleles (0.00081%); highest among the groups gnomAD compares: Admixed American, 0.0033%; no homozygotes.

Submission:

Labcorp Genetics (formerly Invitae), Labcorp
Classification: Uncertain significance for Primary ciliary dyskinesia. Last evaluated: 2024-12-24. Review status: criteria provided, single submitter. Criteria: Invitae Variant Classification Sherloc (09022015). Collection method: clinical testing. Allele origin: germline.
Comment: This sequence change replaces asparagine, which is neutral and polar, with threonine, which is neutral and polar, at codon 4027 of the DNAH8 protein (p.Asn4027Thr). This variant is present in population databases (rs766149326, gnomAD 0.003%). This variant has not been reported in the literature in individuals affected with DNAH8-related conditions. Invitae Evidence Modeling of protein sequence and biophysical properties (such as structural, functional, and spatial information, amino acid conservation, physicochemical variation, residue mobility, and thermodynamic stability) indicates that this missense variant is not expected to disrupt DNAH8 protein function with a negative predictive value of 80%. In summary, the available evidence is currently insufficient to determine the role of this variant in disease. Therefore, it has been classified as a Variant of Uncertain Significance.

NM_001206927.2(DNAH8):c.12080A>C (p.Asn4027Thr)

Genes: DNAH8 (dynein axonemal heavy chain 8; plus strand), DNAH8-AS1 (DNAH8 antisense RNA 1; minus strand). Cytogenetic location: 6p21.2.
Variant type: single nucleotide variant.
Coding change: c.12080A>C on transcript NM_001206927.2 (MANE Select); coding-DNA position 12080, A replaced by C.
Protein change: p.Asn4027Thr; replaces asparagine 4027 with threonine.
Molecular consequence: missense variant.
Genome position (GRCh38, 1-based): chr6:38,945,539, A>C. VCF-style: chr6-38945539-A-C. GRCh37 (hg19) VCF-style: chr6-38913315-A-C.
Other names: c.11429A>C, p.Asn3810Thr (NM_001371.4); short protein forms N3810T, N4027T.
Identifiers: ClinVar variation 3730269 (VCV003730269.1).